The following is an entry in ClinVar:

NM_080680.3(COL11A2):c.15C>T (p.Ser5=)

Gene: COL11A2 (collagen type XI alpha 2 chain; minus strand). Cytogenetic location: 6p21.32.
Variant type: single nucleotide variant.
Coding change: c.15C>T on transcript NM_080680.3 (MANE Select); coding-DNA position 15, C replaced by T.
Protein change: p.Ser5=; no amino-acid change (serine 5 retained).
Molecular consequence: synonymous variant.
Genome position (GRCh38, 1-based): chr6:33,192,226, G>A on the plus strand (C>T on the coding strand, the complement: COL11A2 is on the minus strand). VCF-style: chr6-33192226-G-A. GRCh37 (hg19) VCF-style: chr6-33160003-G-A.
Other names: c.15C>T, p.Ser5= (NM_001163771.2, NM_080679.3, NM_080681.3).
Identifiers: ClinVar variation 2061392 (VCV002061392.6), dbSNP rs765046193, ClinGen allele CA3751772.

ClinVar aggregate classification (germline): Conflicting classifications of pathogenicity. Review status: criteria provided, conflicting classifications (1 of 4 stars). 3 submissions from 3 submitters: Uncertain significance (1); Benign (1); Likely benign (1). Last evaluated 2026-04-02.

Conditions:
COL11A2-related disorder. Also called: COL11A2-related condition; COL11A2-related disorders.

Allele frequency attached by ClinVar (database versions not stated): gnomAD exomes 0.00001; gnomAD 0.00002; TOPMed 0.00005.

Submissions (3):

PreventionGenetics, part of Exact Sciences
Classification: Likely benign for COL11A2-related condition. Last evaluated: 2026-04-02. Review status: criteria provided, single submitter. Criteria: ACMG Guidelines, 2015. Collection method: clinical testing. Allele origin: germline.
Comment: This variant is classified as likely benign based on ACMG/AMP sequence variant interpretation guidelines (Richards et al. 2015 PMID: 25741868, with internal and published modifications).

Labcorp Genetics (formerly Invitae), Labcorp
Classification: Benign. Last evaluated: 2025-08-20. Review status: criteria provided, single submitter. Criteria: Invitae Variant Classification Sherloc (09022015). Collection method: clinical testing. Allele origin: germline.

GeneDx
Classification: Uncertain significance. Last evaluated: 2023-02-03. Review status: criteria provided, single submitter. Criteria: GeneDx Variant Classification Process June 2021. Collection method: clinical testing. Allele origin: germline. Affected: yes.
Comment: Not observed at significant frequency in large population cohorts (gnomAD); In silico analysis supports that this variant does not alter splicing; Has not been previously published as pathogenic or benign to our knowledge